The following is an entry in ClinVar:

NM_018230.3(NUP133):c.550A>G (p.Ile184Val)

Gene: NUP133 (nucleoporin 133; minus strand). Cytogenetic location: 1q42.13.
Variant type: single nucleotide variant.
Coding change: c.550A>G on transcript NM_018230.3 (MANE Select); coding-DNA position 550, A replaced by G.
Protein change: p.Ile184Val; replaces isoleucine 184 with valine.
Molecular consequence: missense variant.
Genome position (GRCh38, 1-based): chr1:229,499,782, T>C on the plus strand (A>G on the coding strand, the complement: NUP133 is on the minus strand). VCF-style: chr1-229499782-T-C. GRCh37 (hg19) VCF-style: chr1-229635529-T-C.
Other names: c.550A>G (NM_018230.2); short protein forms I184V.
Identifiers: ClinVar variation 1959148 (VCV001959148.7), dbSNP rs745776006, ClinGen allele CA1443795.

ClinVar aggregate classification (germline): Uncertain significance. Review status: criteria provided, multiple submitters, no conflicts (2 of 4 stars). 3 submissions from 3 submitters: Uncertain significance (3). Last evaluated 2025-10-07.

Allele frequency attached by ClinVar (database versions not stated): ExAC 0.00002; gnomAD exomes 0.00002; TOPMed 0.00004.
gnomAD v4.1: 34 of 1,613,890 alleles (0.0021%); highest among the groups gnomAD compares: Non-Finnish European, 0.0026%; no homozygotes.

Submissions (3):

Ambry Genetics
Classification: Uncertain significance. Last evaluated: 2025-10-07. Review status: criteria provided, single submitter. Criteria: Ambry Variant Classification Scheme 2023. Collection method: clinical testing. Allele origin: germline.

Labcorp Genetics (formerly Invitae), Labcorp
Classification: Uncertain significance. Last evaluated: 2025-06-04. Review status: criteria provided, single submitter. Criteria: Invitae Variant Classification Sherloc (09022015). Collection method: clinical testing. Allele origin: germline.
Comment: This sequence change replaces isoleucine, which is neutral and non-polar, with valine, which is neutral and non-polar, at codon 184 of the NUP133 protein (p.Ile184Val). This variant is present in population databases (rs745776006, gnomAD 0.002%). This variant has not been reported in the literature in individuals affected with NUP133-related conditions. ClinVar contains an entry for this variant (Variation ID: 1959148). An algorithm developed to predict the effect of missense changes on protein structure and function outputs the following: PolyPhen-2: "Benign". The valine amino acid residue is found in multiple mammalian species, which suggests that this missense change does not adversely affect protein function. In summary, the available evidence is currently insufficient to determine the role of this variant in disease. Therefore, it has been classified as a Variant of Uncertain Significance.

Blueprint Genetics
Classification: Uncertain significance. Last evaluated: 2023-03-06. Review status: criteria provided, single submitter. Criteria: ACMG Guidelines, 2015. Collection method: clinical testing. Allele origin: germline.